The following is an entry in ClinVar:

NM_000372.5(TYR):c.571G>T (p.Gly191Ter)

Gene: TYR (tyrosinase; plus strand). Cytogenetic location: 11q14.3.
Variant type: single nucleotide variant.
Coding change: c.571G>T on transcript NM_000372.5 (MANE Select); coding-DNA position 571, G replaced by T.
Protein change: p.Gly191Ter; replaces glycine 191 with a stop codon.
Molecular consequence: nonsense.
Genome position (GRCh38, 1-based): chr11:89,178,524, G>T. VCF-style: chr11-89178524-G-T. GRCh37 (hg19) VCF-style: chr11-88911692-G-T.
Other names: short protein forms G191*.
Identifiers: ClinVar variation 2910282 (VCV002910282.3), dbSNP rs1464920989, ClinGen allele CA382034725.
Genomic context (GRCh38, chr11:89,178,524, plus strand): 5'-AATATTTATGACCTCTTTGTCTGGATGCATTATTATGTGTCAATGGATGCACTGCTTGGG[G>T]GATCTGAAATCTGGAGAGACATTGATTTTGCCCATGAAGCACCAGCTTTTCTGCCTTGGC-3'

ClinVar aggregate classification (germline): Pathogenic (1 of 4 stars; one submission).

Submission:

Labcorp Genetics (formerly Invitae), Labcorp
Classification: Pathogenic. Last evaluated: 2023-10-29. Review status: criteria provided, single submitter. Criteria: Invitae Variant Classification Sherloc (09022015). Collection method: clinical testing. Allele origin: germline.
Comment: This sequence change creates a premature translational stop signal (p.Gly191*) in the TYR gene. It is expected to result in an absent or disrupted protein product. Loss-of-function variants in TYR are known to be pathogenic (PMID: 23504663). This variant is not present in population databases (gnomAD no frequency). This premature translational stop signal has been observed in individual(s) with TYR-related conditions (PMID: 29345414). For these reasons, this variant has been classified as Pathogenic.

Literature cited by the submitters: PubMed 23504663; PubMed 29345414.